The following is an entry in ClinVar:

ClinVar aggregate classification (germline): Pathogenic (1 of 4 stars; one submission).

Conditions:
Epilepsy, familial focal, with variable foci 3 (FFEVF3). Identifiers: MedGen C4310708, MONDO:0014925, OMIM 617118.

Submission:

Labcorp Genetics (formerly Invitae), Labcorp
Classification: Pathogenic for Epilepsy, familial focal, with variable foci 3. Last evaluated: 2023-11-20. Review status: criteria provided, single submitter. Criteria: Invitae Variant Classification Sherloc (09022015). Collection method: clinical testing. Allele origin: germline.
Comment: This sequence change creates a premature translational stop signal (p.Tyr208Metfs*9) in the NPRL3 gene. It is expected to result in an absent or disrupted protein product. Loss-of-function variants in NPRL3 are known to be pathogenic (PMID: 26285051, 26505888). This variant is not present in population databases (gnomAD no frequency). This variant has not been reported in the literature in individuals affected with NPRL3-related conditions. ClinVar contains an entry for this variant (Variation ID: 1069081). For these reasons, this variant has been classified as Pathogenic.

Literature cited by the submitters: PubMed 26285051; PubMed 26505888.

NM_001077350.3(NPRL3):c.622del (p.Tyr208fs)

Genes: HBA-LCR (alpha-globin locus control region; plus strand), NPRL3 (NPR3 like, GATOR1 complex subunit; minus strand). Cytogenetic location: 16p13.3.
Variant type: Deletion.
Coding change: c.622del on transcript NM_001077350.3 (MANE Select); coding-DNA position 622, one base deleted (T; older notation c.622delT).
Protein change: p.Tyr208fs; shifts the reading frame from tyrosine 208.
Molecular consequence: frameshift variant.
Genome position (GRCh38, 1-based): chr16:110,532, A deleted on the plus strand (T on the coding strand, the reverse complement: NPRL3 is on the minus strand); the first of 2 consecutive A bases (chr16:110,532-110,533); deleting either gives the same sequence. VCF-style (leftmost placement, unchanged base first): chr16-110531-TA-T. GRCh37 (hg19) VCF-style: chr16-160529-TA-T.
Other names: c.85del, p.Tyr29fs (NM_001039476.3); c.388del, p.Tyr130fs (NM_001243247.2); c.547del, p.Tyr183fs (NM_001243248.2, NM_001243249.2); short protein forms Y130fs, Y183fs, Y208fs, Y29fs.
Identifiers: ClinVar variation 1069081 (VCV001069081.7), dbSNP rs2141946070, ClinGen allele CA2499223193.